The following is an entry in ClinVar:

ClinVar aggregate classification (germline): Benign. Review status: criteria provided, single submitter (1 of 4 stars). 2 submissions from 2 submitters: Benign (1). 1 of the submissions does not count toward it. Last evaluated 2018-05-03.

Conditions:
HDAC6-related disorder. Also called: HDAC6-related condition.

Allele frequency attached by ClinVar (database versions not stated): gnomAD 0.00004 and 0.00033; TOPMed 0.00007; gnomAD exomes 0.00063 and 0.00139; ExAC 0.00149; 1000 Genomes Project 30x 0.00187; 1000 Genomes Project 0.00212.
gnomAD v4.1: 749 of 1,209,020 alleles (0.062%); highest among the groups gnomAD compares: South Asian, 1.2%; 10 homozygotes.

Submissions (2):

Labcorp Genetics (formerly Invitae), Labcorp
Classification: Benign. Last evaluated: 2018-05-03. Review status: criteria provided, single submitter. Criteria: Invitae Variant Classification Sherloc (09022015). Collection method: clinical testing. Allele origin: germline.

PreventionGenetics, part of Exact Sciences
Classification: Benign for HDAC6-related condition. Last evaluated: 2019-08-01. Review status: no assertion criteria provided. Collection method: clinical testing. Allele origin: germline. Not counted in ClinVar's aggregate classification.
Comment: This variant is classified as benign based on ACMG/AMP sequence variant interpretation guidelines (Richards et al. 2015 PMID: 25741868, with internal and published modifications).

NM_006044.4(HDAC6):c.1833C>T (p.His611=)

Gene: HDAC6 (histone deacetylase 6; plus strand). Cytogenetic location: Xp11.23.
Variant type: single nucleotide variant.
Coding change: c.1833C>T on transcript NM_006044.4 (MANE Select); coding-DNA position 1833, C replaced by T.
Protein change: p.His611=; no amino-acid change (histidine 611 retained).
Molecular consequence: synonymous variant. On other transcripts: non-coding transcript variant (1).
Genome position (GRCh38, 1-based): chrX:48,817,367, C>T. VCF-style: chrX-48817367-C-T. GRCh37 (hg19) VCF-style: chrX-48675774-C-T.
Other names: c.1875C>T, p.His625= (NM_001321225.2); c.1833C>T, p.His611= (NM_001321226.2, NM_001321227.2, NM_001321228.2 and 1 more transcripts).
Identifiers: ClinVar variation 736731 (VCV000736731.5), dbSNP rs782255342, ClinGen allele CA10405141.